The following is an entry in ClinVar:

ClinVar aggregate classification (germline): Likely benign. Review status: criteria provided, multiple submitters, no conflicts (2 of 4 stars). 3 submissions from 3 submitters: Likely benign (3). Last evaluated 2026-01-04.

Conditions:
ALPK3-related disorder. Also called: ALPK3-related condition.
Cardiovascular phenotype. Identifiers: MedGen CN230736.

Allele frequency attached by ClinVar (database versions not stated): gnomAD 0.00001 and 0.00005; TOPMed 0.00002; ExAC 0.00007; 1000 Genomes Project 30x 0.00016; 1000 Genomes Project 0.00020.
gnomAD v4.1: 47 of 1,614,016 alleles (0.0029%); highest among the groups gnomAD compares: South Asian, 0.042%; no homozygotes.

Submissions (3):

Labcorp Genetics (formerly Invitae), Labcorp
Classification: Likely benign. Last evaluated: 2026-01-04. Review status: criteria provided, single submitter. Criteria: Invitae Variant Classification Sherloc (09022015). Collection method: clinical testing. Allele origin: germline.

PreventionGenetics, part of Exact Sciences
Classification: Likely benign for ALPK3-related condition. Last evaluated: 2025-04-10. Review status: criteria provided, single submitter. Criteria: ACMG Guidelines, 2015. Collection method: clinical testing. Allele origin: germline.
Comment: This variant is classified as likely benign based on ACMG/AMP sequence variant interpretation guidelines (Richards et al. 2015 PMID: 25741868, with internal and published modifications).

Ambry Genetics
Classification: Likely benign for Cardiovascular phenotype. Last evaluated: 2022-12-29. Review status: criteria provided, single submitter. Criteria: Ambry Variant Classification Scheme 2023. Collection method: clinical testing. Allele origin: germline.

NM_020778.5(ALPK3):c.2544G>A (p.Pro848=)

Gene: ALPK3 (alpha kinase 3; plus strand). Cytogenetic location: 15q25.3.
Variant type: single nucleotide variant.
Coding change: c.2544G>A on transcript NM_020778.5 (MANE Select); coding-DNA position 2544, G replaced by A.
Protein change: p.Pro848=; no amino-acid change (proline 848 retained).
Molecular consequence: synonymous variant.
Genome position (GRCh38, 1-based): chr15:84,857,282, G>A. VCF-style: chr15-84857282-G-A. GRCh37 (hg19) VCF-style: chr15-85400513-G-A.
Other names: c.3150G>A (NM_020778.4).
Identifiers: ClinVar variation 1591112 (VCV001591112.11), dbSNP rs558397946, ClinGen allele CA7709445.